The following is an entry in ClinVar:

NM_003108.4(SOX11):c.709C>G (p.Leu237Val)

Gene: SOX11 (SRY-box transcription factor 11; plus strand). Cytogenetic location: 2p25.2.
Variant type: single nucleotide variant.
Coding change: c.709C>G on transcript NM_003108.4 (MANE Select); coding-DNA position 709, C replaced by G.
Protein change: p.Leu237Val; replaces leucine 237 with valine.
Molecular consequence: missense variant.
Genome position (GRCh38, 1-based): chr2:5,693,430, C>G. VCF-style: chr2-5693430-C-G. GRCh37 (hg19) VCF-style: chr2-5833562-C-G.
Other names: short protein forms L237V.
Identifiers: ClinVar variation 436836 (VCV000436836.14), dbSNP rs140772793, ClinGen allele CA1517903.
Genomic context (GRCh38, chr2:5,693,430, plus strand): 5'-GTCAAGTGCGTGTTTCTGGATGAGGACGACGACGACGACGACGACGACGACGAGCTGCAG[C>G]TGCAGATCAAACAGGAGCCGGACGAGGAGGACGAGGAACCACCGCACCAGCAGCTCCTGC-3'
Protein context (NP_003099.1, residues 227-247): DDDDDDDELQ[Leu237Val]QIKQEPDEED

ClinVar aggregate classification (germline): Conflicting classifications of pathogenicity. Review status: criteria provided, conflicting classifications (1 of 4 stars). 4 submissions from 4 submitters: Uncertain significance (1); Likely benign (2). 1 of the submissions does not count toward it. Last evaluated 2025-10-24.

Conditions:
SOX11-related disorder. Also called: SOX11-related condition.

Allele frequency attached by ClinVar (database versions not stated): gnomAD exomes 0.00012; 1000 Genomes Project 30x 0.00016; ExAC 0.00019; gnomAD 0.00050 and 0.00056; TOPMed 0.00065; ESP Exome Variant Server 0.00080.

Submissions (4):

Labcorp Genetics (formerly Invitae), Labcorp
Classification: Likely benign. Last evaluated: 2025-10-24. Review status: criteria provided, single submitter. Criteria: Invitae Variant Classification Sherloc (09022015). Collection method: clinical testing. Allele origin: germline.

GeneDx
Classification: Uncertain significance. Last evaluated: 2021-06-12. Review status: criteria provided, single submitter. Criteria: GeneDx Variant Classification Process June 2021. Collection method: clinical testing. Allele origin: germline. Affected: yes.
Comment: In silico analysis supports that this missense variant does not alter protein structure/function; Has not been previously published as pathogenic or benign to our knowledge; This variant is associated with the following publications: (PMID: 27535533)

Genetic Services Laboratory, University of Chicago
Classification: Likely benign. Last evaluated: 2017-01-18. Review status: criteria provided, single submitter. Criteria: ACMG Guidelines, 2015. Collection method: clinical testing. Allele origin: germline. Affected: no.

PreventionGenetics, part of Exact Sciences
Classification: Likely benign for SOX11-related condition. Last evaluated: 2023-10-31. Review status: no assertion criteria provided. Collection method: clinical testing. Allele origin: germline. Not counted in ClinVar's aggregate classification.
Comment: This variant is classified as likely benign based on ACMG/AMP sequence variant interpretation guidelines (Richards et al. 2015 PMID: 25741868, with internal and published modifications).